The following is an entry in ClinVar:

NM_001111.5(ADAR):c.520C>T (p.Arg174Ter)

Gene: ADAR (adenosine deaminase RNA specific; minus strand). Cytogenetic location: 1q21.3.
Variant type: single nucleotide variant.
Coding change: c.520C>T on transcript NM_001111.5 (MANE Select); coding-DNA position 520, C replaced by T.
Protein change: p.Arg174Ter; replaces arginine 174 with a stop codon.
Molecular consequence: nonsense. On other transcripts: 5 prime UTR variant (6).
Genome position (GRCh38, 1-based): chr1:154,602,122, G>A on the plus strand (C>T on the coding strand, the complement: ADAR is on the minus strand). VCF-style: chr1-154602122-G-A. GRCh37 (hg19) VCF-style: chr1-154574598-G-A.
Other names: c.-366C>T (NM_001025107.3, NM_001193495.2, NM_001365046.1 and 3 more transcripts); c.547C>T, p.Arg183Ter (NM_001365045.1); c.520C>T, p.Arg174Ter (NM_015840.4, NM_015841.4); short protein forms R174*, R183*.
Identifiers: ClinVar variation 1973592 (VCV001973592.5), dbSNP rs745334317, ClinGen allele CA1131689.
Genomic context (GRCh38, chr1:154,602,122, plus strand): 5'-AAGGGGGTGTTCCTGCCTCTTTCTGTAGCTTGCCCTTCTTTGCCAGGGAGTATAAAACTC[G>A]ATTGATTTCTTTCTTCGGAGTCCCAAGTTTCCCAGACAGATCATGTGCTGTGGTGGCCTT-3'

ClinVar aggregate classification (germline): Pathogenic (1 of 4 stars; one submission).

Conditions:
Aicardi-Goutieres syndrome 6 (AGS6). Identifiers: Orphanet 51, MedGen C3539013, MONDO:0014007, OMIM 615010.
Symmetrical dyschromatosis of extremities (DSH). Also called: DYSCHROMATOSIS SYMMETRICA HEREDITARIA 1; RETICULATE ACROPIGMENTATION OF DOHI; Dyschromatosis symmetrica hereditaria; SYMMETRIC DYSCHROMATOSIS OF THE EXTREMITIES. Identifiers: Orphanet 41, MedGen C0406775, MONDO:0007483, OMIM 127400.

Allele frequency attached by ClinVar (database versions not stated): TOPMed below 0.00001; ExAC 0.00001; gnomAD exomes below 0.00001.
gnomAD v4.1: 3 of 1,614,210 alleles (0.00019%); highest among the groups gnomAD compares: East Asian, 0.0022%; no homozygotes.

Submission:

Labcorp Genetics (formerly Invitae), Labcorp
Classification: Pathogenic for Aicardi-Goutieres syndrome 6; Symmetrical dyschromatosis of extremities. Last evaluated: 2025-07-03. Review status: criteria provided, single submitter. Criteria: Invitae Variant Classification Sherloc (09022015). Collection method: clinical testing. Allele origin: germline.
Comment: This sequence change creates a premature translational stop signal (p.Arg174*) in the ADAR gene. It is expected to result in an absent or disrupted protein product. Loss-of-function variants in ADAR are known to be pathogenic (PMID: 22974014). This variant is present in population databases (rs745334317, gnomAD 0.006%). This variant has not been reported in the literature in individuals affected with ADAR-related conditions. ClinVar contains an entry for this variant (Variation ID: 1973592). For these reasons, this variant has been classified as Pathogenic.

Literature cited by the submitters: PubMed 22974014.